The following is an entry in ClinVar:

NM_001374828.1(ARID1B):c.6530A>G (p.His2177Arg)

Gene: ARID1B (AT-rich interaction domain 1B; plus strand). Cytogenetic location: 6q25.3.
Variant type: single nucleotide variant.
Coding change: c.6530A>G on transcript NM_001374828.1 (MANE Select); coding-DNA position 6530, A replaced by G.
Protein change: p.His2177Arg; replaces histidine 2177 with arginine.
Molecular consequence: missense variant.
Genome position (GRCh38, 1-based): chr6:157,207,302, A>G. VCF-style: chr6-157207302-A-G. GRCh37 (hg19) VCF-style: chr6-157528436-A-G.
Other names: c.6161A>G (NM_020732.3); c.4031A>G, p.His1344Arg (NM_001363725.2); c.6410A>G, p.His2137Arg (NM_001371656.1, NM_001374820.1); c.6371A>G, p.His2124Arg (NM_017519.3); short protein forms H1344R, H2124R, H2137R, H2177R.
Identifiers: ClinVar variation 1312271 (VCV001312271.2), dbSNP rs2128397478, ClinGen allele CA366248483.

ClinVar aggregate classification (germline): Uncertain significance (1 of 4 stars; one submission).

Allele frequency attached by ClinVar (database versions not stated): gnomAD exomes below 0.00001.
gnomAD v4.1: 1 of 1,614,058 alleles (0.000062%); highest among the groups gnomAD compares: Non-Finnish European, 0.000085%; no homozygotes.

Submission:

GeneDx
Classification: Uncertain significance. Last evaluated: 2019-10-14. Review status: criteria provided, single submitter. Criteria: GeneDx Variant Classification Process June 2021. Collection method: clinical testing. Allele origin: germline. Affected: yes.
Comment: Not observed in large population cohorts (Lek et al., 2016); In silico analysis, which includes protein predictors and evolutionary conservation, supports a deleterious effect; Has not been previously published as pathogenic or benign to our knowledge